The following is an entry in ClinVar:

ClinVar aggregate classification (germline): Pathogenic (1 of 4 stars; one submission).

Conditions:
Inborn genetic diseases. Identifiers: MedGen C0950123, MeSH D030342.

Submission:

Ambry Genetics
Classification: Pathogenic for Inborn genetic diseases. Last evaluated: 2025-08-04. Review status: criteria provided, single submitter. Criteria: Ambry Variant Classification Scheme 2023. Collection method: clinical testing. Allele origin: germline.
Comment: The c.928delT (p.Y310Tfs*10) alteration, located in exon 2 (coding exon 1) of the GATA6 gene, consists of a deletion of one nucleotide at position 928, causing a translational frameshift with a predicted alternate stop codon after 10 amino acids. This alteration is expected to result in loss of function by premature protein truncation or nonsense-mediated mRNA decay. This variant was not reported in population-based cohorts in the Genome Aggregation Database (gnomAD). Based on the available evidence, this alteration is classified as pathogenic.

NM_005257.6(GATA6):c.928del (p.Tyr310fs)

Gene: GATA6 (GATA binding protein 6; plus strand). Cytogenetic location: 18q11.2.
Variant type: Deletion.
Coding change: c.928del on transcript NM_005257.6 (MANE Select); coding-DNA position 928, one base deleted (T; older notation c.928delT).
Protein change: p.Tyr310fs; shifts the reading frame from tyrosine 310.
Molecular consequence: frameshift variant.
Genome position (GRCh38, 1-based): chr18:22,172,072, T deleted. VCF-style (leftmost placement, unchanged base first): chr18-22172071-GT-G. GRCh37 (hg19) VCF-style: chr18-19752032-GT-G.
Other names: short protein forms Y310fs.
Identifiers: ClinVar variation 4262180 (VCV004262180.1).
Genomic context (GRCh38, chr18:22,172,071, plus strand): 5'-CGCGGGAGGCGTGAGCGGCGGCGGCAGTAGCCTGGCGGCCATGGGCGGCCGCGAGCCCCA[GT>G]ACAGCTCGCTGTCGGCCGCGCGGCCGCTGAACGGGACGTACCACCACCACCACCACCACC-3'